The following is an entry in ClinVar:

NM_006343.3(MERTK):c.2584C>T (p.Pro862Ser)

Gene: MERTK (MER proto-oncogene, tyrosine kinase; plus strand). Cytogenetic location: 2q13.
Variant type: single nucleotide variant.
Coding change: c.2584C>T on transcript NM_006343.3 (MANE Select); coding-DNA position 2584, C replaced by T.
Protein change: p.Pro862Ser; replaces proline 862 with serine.
Molecular consequence: missense variant.
Genome position (GRCh38, 1-based): chr2:112,028,448, C>T. VCF-style: chr2-112028448-C-T. GRCh37 (hg19) VCF-style: chr2-112786025-C-T.
Other names: c.2584C>T (NM_006343.2); short protein forms P862S.
Identifiers: ClinVar variation 1140926 (VCV001140926.11), dbSNP rs143190615, ClinGen allele CA1831927.

ClinVar aggregate classification (germline): Likely benign. Review status: criteria provided, multiple submitters, no conflicts (2 of 4 stars). 3 submissions from 3 submitters: Likely benign (3). Last evaluated 2026-01-21.

Conditions:
MERTK-related disorder. Also called: MERTK-related condition.

Allele frequency attached by ClinVar (database versions not stated): gnomAD exomes 0.00006 and 0.00016; ExAC 0.00023; ESP Exome Variant Server 0.00062; gnomAD 0.00062 and 0.00069; TOPMed 0.00080; 1000 Genomes Project 0.00140; 1000 Genomes Project 30x 0.00141.
gnomAD v4.1: 181 of 1,614,110 alleles (0.011%); highest among the groups gnomAD compares: African/African-American, 0.22%; no homozygotes.

Submissions (3):

Labcorp Genetics (formerly Invitae), Labcorp
Classification: Likely benign. Last evaluated: 2026-01-21. Review status: criteria provided, single submitter. Criteria: Invitae Variant Classification Sherloc (09022015). Collection method: clinical testing. Allele origin: germline.

PreventionGenetics, part of Exact Sciences
Classification: Likely benign for MERTK-related condition. Last evaluated: 2025-01-29. Review status: criteria provided, single submitter. Criteria: ACMG Guidelines, 2015. Collection method: clinical testing. Allele origin: germline.
Comment: This variant is classified as likely benign based on ACMG/AMP sequence variant interpretation guidelines (Richards et al. 2015 PMID: 25741868, with internal and published modifications).

Blueprint Genetics
Classification: Likely benign. Last evaluated: 2024-07-14. Review status: criteria provided, single submitter. Criteria: ACMG Guidelines, 2015. Collection method: clinical testing. Allele origin: germline.